The following is an entry in ClinVar:

NM_003966.3(SEMA5A):c.1659G>T (p.Thr553=)

Gene: SEMA5A (semaphorin 5A; minus strand). Cytogenetic location: 5p15.31.
Variant type: single nucleotide variant.
Coding change: c.1659G>T on transcript NM_003966.3 (MANE Select); coding-DNA position 1659, G replaced by T.
Protein change: p.Thr553=; no amino-acid change (threonine 553 retained).
Molecular consequence: synonymous variant.
Genome position (GRCh38, 1-based): chr5:9,122,778, C>A on the plus strand (G>T on the coding strand, the complement: SEMA5A is on the minus strand). VCF-style: chr5-9122778-C-A. GRCh37 (hg19) VCF-style: chr5-9122890-C-A.
Identifiers: ClinVar variation 3060974 (VCV003060974.2), dbSNP rs17238053, ClinGen allele CA3196683.

ClinVar aggregate classification (germline): Benign (0 of 4 stars; one submission).

Conditions:
SEMA5A-related disorder. Also called: SEMA5A-related condition.

Allele frequency attached by ClinVar (database versions not stated): 1000 Genomes Project 0.07588; ESP Exome Variant Server 0.07297; 1000 Genomes Project 30x 0.07573; TOPMed 0.06741.
gnomAD v4.1: 140,494 of 1,612,044 alleles (8.7%); highest among the groups gnomAD compares: South Asian, 16%; 6,845 homozygotes.

Submission:

PreventionGenetics, part of Exact Sciences
Classification: Benign for SEMA5A-related condition. Last evaluated: 2019-11-04. Review status: no assertion criteria provided. Collection method: clinical testing. Allele origin: germline.
Comment: This variant is classified as benign based on ACMG/AMP sequence variant interpretation guidelines (Richards et al. 2015 PMID: 25741868, with internal and published modifications).